The following is an entry in ClinVar:

ClinVar aggregate classification (germline): Likely benign (1 of 4 stars; one submission).

Conditions:
PHIP-related disorder. Also called: PHIP-related disorders; PHIP-related condition.

Submission:

PreventionGenetics, part of Exact Sciences
Classification: Likely benign for PHIP-related condition. Last evaluated: 2024-10-08. Review status: criteria provided, single submitter. Criteria: ACMG Guidelines, 2015. Collection method: clinical testing. Allele origin: germline.
Comment: This variant is classified as likely benign based on ACMG/AMP sequence variant interpretation guidelines (Richards et al. 2015 PMID: 25741868, with internal and published modifications).

NM_017934.7(PHIP):c.4044T>C (p.Leu1348=)

Genes: IRAK1BP1 (interleukin 1 receptor associated kinase 1 binding protein 1; plus strand), PHIP (PHIP subunit of CUL4-Ring ligase complex; minus strand). Cytogenetic location: 6q14.1.
Variant type: single nucleotide variant.
Coding change: c.4044T>C on transcript NM_017934.7 (MANE Select); coding-DNA position 4044, T replaced by C.
Protein change: p.Leu1348=; no amino-acid change (leucine 1348 retained).
Molecular consequence: synonymous variant.
Genome position (GRCh38, 1-based): chr6:78,954,823, A>G on the plus strand (T>C on the coding strand, the complement: PHIP is on the minus strand). VCF-style: chr6-78954823-A-G. GRCh37 (hg19) VCF-style: chr6-79664540-A-G.
Identifiers: ClinVar variation 4999175 (VCV004999175.1).